The following is an entry in ClinVar:

NM_004341.5(CAD):c.4547TGGCCC[3] (p.1516LA[3])

Gene: CAD (carbamoyl-phosphate synthetase 2, aspartate transcarbamylase, and dihydroorotase; plus strand). Cytogenetic location: 2p23.3.
Variant type: Microsatellite.
Coding change: c.4547TGGCCC[3] on transcript NM_004341.5 (MANE Select); three copies in a row of the 6-base unit TGGCCC starting at c.4547; the reference has two copies in a row; one copy, 6 bases duplicated.
Protein change: p.1516LA[3].
Molecular consequence: inframe insertion.
Genome position (GRCh38, 1-based): chr2:27,237,535-27,237,540, TGGCCC duplicated; duplicating any 6 consecutive bases within chr2:27,237,528-27,237,540 gives the same sequence; the position shown is the placement nearest the transcript's 3' end. VCF-style (leftmost placement, unchanged base first): chr2-27237527-T-TCTGGCC. GRCh37 (hg19) VCF-style: chr2-27460395-T-TCTGGCC.
Other names: c.4358TGGCCC[3], p.1453LA[3] (NM_001306079.2).
Identifiers: ClinVar variation 1460583 (VCV001460583.6), dbSNP rs1326257429, ClinGen allele CA531763962.
Genomic context (GRCh38, chr2:27,237,527, plus strand): 5'-GGGTATCACCATGGTGTGTGCCATGCCTAATACCCGGCCCCCCATCATTGACGCCCCTGC[T>TCTGGCC]CTGGCCCTGGCCCAGAAGGTGAGCCACTGCACTCTTCCTGGTATTGGAGACCCATATGCC-3'

ClinVar aggregate classification (germline): Uncertain significance (1 of 4 stars; one submission).

Submission:

Labcorp Genetics (formerly Invitae), Labcorp
Classification: Uncertain significance. Last evaluated: 2023-08-17. Review status: criteria provided, single submitter. Criteria: Invitae Variant Classification Sherloc (09022015). Collection method: clinical testing. Allele origin: germline.
Comment: This variant, c.4553_4558dup, results in the insertion of 2 amino acid(s) of the CAD protein (p.Leu1518_Ala1519dup), but otherwise preserves the integrity of the reading frame. This variant is present in population databases (no rsID available, gnomAD 0.003%). This variant has not been reported in the literature in individuals affected with CAD-related conditions. Experimental studies and prediction algorithms are not available or were not evaluated, and the functional significance of this variant is currently unknown. In summary, the available evidence is currently insufficient to determine the role of this variant in disease. Therefore, it has been classified as a Variant of Uncertain Significance.